The following is an entry in ClinVar:

ClinVar aggregate classification (germline): Uncertain significance. Review status: criteria provided, multiple submitters, no conflicts (2 of 4 stars). 2 submissions from 2 submitters: Uncertain significance (2). Last evaluated 2026-06-17.

Conditions:
Inborn genetic diseases. Identifiers: MedGen C0950123, MeSH D030342.

Allele frequency attached by ClinVar (database versions not stated): gnomAD exomes below 0.00001.
gnomAD v4.1: 4 of 1,613,406 alleles (0.00025%); highest among the groups gnomAD compares: Non-Finnish European, 0.00034%; no homozygotes.

Submissions (2):

Ambry Genetics
Classification: Uncertain significance for Inborn genetic diseases. Last evaluated: 2026-06-17. Review status: criteria provided, single submitter. Criteria: Ambry Variant Classification Scheme 2023. Collection method: clinical testing. Allele origin: germline.

Labcorp Genetics (formerly Invitae), Labcorp
Classification: Uncertain significance. Last evaluated: 2023-10-09. Review status: criteria provided, single submitter. Criteria: Invitae Variant Classification Sherloc (09022015). Collection method: clinical testing. Allele origin: germline.
Comment: This sequence change replaces proline, which is neutral and non-polar, with arginine, which is basic and polar, at codon 52 of the NOG protein (p.Pro52Arg). This variant is not present in population databases (gnomAD no frequency). This variant has not been reported in the literature in individuals affected with NOG-related conditions. An algorithm developed to predict the effect of missense changes on protein structure and function (PolyPhen-2) suggests that this variant is likely to be disruptive. In summary, the available evidence is currently insufficient to determine the role of this variant in disease. Therefore, it has been classified as a Variant of Uncertain Significance.

NM_005450.6(NOG):c.155C>G (p.Pro52Arg)

Gene: NOG (noggin; plus strand). Cytogenetic location: 17q22.
Variant type: single nucleotide variant.
Coding change: c.155C>G on transcript NM_005450.6 (MANE Select); coding-DNA position 155, C replaced by G.
Protein change: p.Pro52Arg; replaces proline 52 with arginine.
Molecular consequence: missense variant.
Genome position (GRCh38, 1-based): chr17:56,594,378, C>G. VCF-style: chr17-56594378-C-G. GRCh37 (hg19) VCF-style: chr17-54671739-C-G.
Other names: c.155C>G (NM_005450.4); short protein forms P52R.
Identifiers: ClinVar variation 2788816 (VCV002788816.4), dbSNP rs2545137441, ClinGen allele CA399964413.